The following is an entry in ClinVar:

NM_030777.4(SLC2A10):c.*7C>T

Gene: SLC2A10 (solute carrier family 2 member 10; plus strand). Cytogenetic location: 20q13.12.
Variant type: single nucleotide variant.
Coding change: c.*7C>T on transcript NM_030777.4 (MANE Select); 7 bases downstream of the stop codon, C replaced by T.
Molecular consequence: 3 prime UTR variant.
Genome position (GRCh38, 1-based): chr20:46,733,841, C>T. VCF-style: chr20-46733841-C-T. GRCh37 (hg19) VCF-style: chr20-45362480-C-T.
Identifiers: ClinVar variation 626609 (VCV000626609.3), dbSNP rs184333910, ClinGen allele CA9892282.

ClinVar aggregate classification (germline): Conflicting classifications of pathogenicity. Review status: criteria provided, conflicting classifications (1 of 4 stars). 2 submissions from 2 submitters: Uncertain significance (1); Likely benign (1). Last evaluated 2025-09-08.

Conditions:
Familial thoracic aortic aneurysm and aortic dissection (TAAD). Also called: Thoracic aortic aneurysms and dissections. Identifiers: Orphanet 91387, MedGen C4707243, MONDO:0019625.

Allele frequency attached by ClinVar (database versions not stated): gnomAD 0.00001 and 0.00002; TOPMed 0.00002; ExAC 0.00003; gnomAD exomes 0.00003 and 0.00007; 1000 Genomes Project 30x 0.00016; 1000 Genomes Project 0.00020.
gnomAD v4.1: 105 of 1,613,860 alleles (0.0065%); highest among the groups gnomAD compares: Non-Finnish European, 0.0086%; no homozygotes.

Submissions (2):

Women's Health and Genetics/Laboratory Corporation of America, LabCorp
Classification: Uncertain significance. Last evaluated: 2025-09-08. Review status: criteria provided, single submitter. Criteria: LabCorp Variant Classification Summary - May 2015. Collection method: clinical testing. Allele origin: germline.
Comment: Variant summary: SLC2A10 c.*7C>T is located in the untranslated mRNA region downstream of the termination codon. The variant was absent in 251232 control chromosomes. The available data on variant occurrences in the general population are insufficient to allow any conclusion about variant significance. c.*7C>T has been observed in at least one heterozygous individual affected with non-syndromic ascending thoracic aortic aneurysms (e.g. Salmasi_2022). These report(s) do not provide unequivocal conclusions about association of the variant with Aortopathy. To our knowledge, no experimental evidence demonstrating an impact on protein function has been reported. The following publication has been ascertained in the context of this evaluation (PMID: 35830949). ClinVar contains an entry for this variant (Variation ID: 626609). Based on the evidence outlined above, the variant was classified as uncertain significance.

CHEO Genetics Diagnostic Laboratory, Children's Hospital of Eastern Ontario
Classification: Likely benign for Familial thoracic aortic aneurysm and aortic dissection. Last evaluated: 2016-08-29. Review status: criteria provided, single submitter. Criteria: ACMG Guidelines, 2015. Collection method: clinical testing. Allele origin: germline. Study: Canadian Open Genetics Repository.

Literature cited by the submitters: PubMed 35830949 (cited by Women's Health and Genetics/Laboratory Corporation of America, LabCorp).